The following is an entry in ClinVar:

ClinVar aggregate classification (germline): Pathogenic (1 of 4 stars; one submission).

Conditions:
Sulfite oxidase deficiency due to molybdenum cofactor deficiency type A. Also called: Molybdenum Cofactor Deficiency A; Molybdenum cofactor deficiency, complementation group A. Identifiers: Orphanet 308386, Orphanet 833, MedGen C1854988, MONDO:0009643, OMIM 252150.

Submission:

Labcorp Genetics (formerly Invitae), Labcorp
Classification: Pathogenic for Sulfite oxidase deficiency due to molybdenum cofactor deficiency type A. Last evaluated: 2023-01-09. Review status: criteria provided, single submitter. Criteria: Invitae Variant Classification Sherloc (09022015). Collection method: clinical testing. Allele origin: germline.
Comment: This sequence change creates a premature translational stop signal (p.Phe331Leufs*22) in the MOCS1 gene. It is expected to result in an absent or disrupted protein product. Loss-of-function variants in MOCS1 are known to be pathogenic (PMID: 12754701, 16021469). For these reasons, this variant has been classified as Pathogenic. This variant has not been reported in the literature in individuals affected with MOCS1-related conditions. This variant is not present in population databases (gnomAD no frequency).

Literature cited by the submitters: PubMed 12754701; PubMed 16021469.

NM_001358530.2(MOCS1):c.993del (p.Phe331fs)

Gene: MOCS1 (molybdenum cofactor synthesis 1; minus strand). Cytogenetic location: 6p21.2.
Variant type: Deletion.
Coding change: c.993del on transcript NM_001358530.2 (MANE Select); coding-DNA position 993, one base deleted (T; older notation c.993delT).
Protein change: p.Phe331fs; shifts the reading frame from phenylalanine 331.
Molecular consequence: frameshift variant. On other transcripts: non-coding transcript variant (1).
Genome position (GRCh38, 1-based): chr6:39,909,944, A deleted on the plus strand (T on the coding strand, the reverse complement: MOCS1 is on the minus strand); the first of 3 consecutive A bases (chr6:39,909,944-39,909,946); deleting any one gives the same sequence. VCF-style (leftmost placement, unchanged base first): chr6-39909943-CA-C. GRCh37 (hg19) VCF-style: chr6-39877687-CA-C.
Other names: c.993del, p.Phe331fs (NM_001075098.4, NM_001358529.2, NM_005943.6); c.732del, p.Phe244fs (NM_001358531.2, NM_001358533.2, NM_001358534.2); short protein forms F244fs, F331fs.
Identifiers: ClinVar variation 2827183 (VCV002827183.3), dbSNP rs2482284736, ClinGen allele CA2739273004.
Genomic context (GRCh38, chr6:39,909,943, plus strand): 5'-GCAGCTCCTGCTCAGAGGCCCCAGCTCGCAGGTGATCCCGCAGGGATACCTCAGAGTTTC[CA>C]AAGAGGCAGACCTACATGTGGGTGAGGACAATATGCCTTCCTTACCCCTGAGCCTTGGCC-3'